The following is an entry in ClinVar:

ClinVar aggregate classification (germline): Uncertain significance. Review status: criteria provided, multiple submitters, no conflicts (2 of 4 stars). 2 submissions from 2 submitters: Uncertain significance (2). Last evaluated 2025-02-13.

Conditions:
Cardiomyopathy (CMYO). Also called: Cardiomyopathies. Identifiers: Orphanet 167848, MedGen C0878544, MONDO:0004994, HP:0001638. Inheritance: Various modes of inheritance.
Hypertrophic cardiomyopathy. Also called: HYPERTROPHIC MYOCARDIOPATHY. Identifiers: Orphanet 217569, MedGen C0007194, MeSH D002312, MONDO:0005045, HP:0001639.

gnomAD v4.1: 3 of 1,614,092 alleles (0.00019%); highest among the groups gnomAD compares: East Asian, 0.0022%; no homozygotes.

Submissions (2):

Labcorp Genetics (formerly Invitae), Labcorp
Classification: Uncertain significance for Hypertrophic cardiomyopathy. Last evaluated: 2025-02-13. Review status: criteria provided, single submitter. Criteria: Invitae Variant Classification Sherloc (09022015). Collection method: clinical testing. Allele origin: germline.
Comment: This sequence change replaces alanine, which is neutral and non-polar, with serine, which is neutral and polar, at codon 1487 of the MYH7 protein (p.Ala1487Ser). This variant is not present in population databases (gnomAD no frequency). This missense change has been observed in individual(s) with clinical features of hypertrophic cardiomyopathy (internal data). ClinVar contains an entry for this variant (Variation ID: 862879). Invitae Evidence Modeling of protein sequence and biophysical properties (such as structural, functional, and spatial information, amino acid conservation, physicochemical variation, residue mobility, and thermodynamic stability) indicates that this missense variant is not expected to disrupt MYH7 protein function with a negative predictive value of 95%. In summary, the available evidence is currently insufficient to determine the role of this variant in disease. Therefore, it has been classified as a Variant of Uncertain Significance.

All of Us Research Program, National Institutes of Health
Classification: Uncertain significance for Cardiomyopathy. Last evaluated: 2023-11-02. Review status: criteria provided, single submitter. Criteria: ACMG Guidelines, 2015. Collection method: clinical testing. Allele origin: germline. Inheritance: Autosomal dominant inheritance. Observed: 1 variant allele, 1 heterozygote.
Comment: This missense variant replaces alanine with serine at codon 1487 of the MYH7 protein. Computational prediction suggests that this variant may not impact protein structure and function (internally defined REVEL score threshold <= 0.5, PMID: 27666373). To our knowledge, functional studies have not been reported for this variant. This variant has not been reported in individuals affected with MYH7-related disorders in the literature. This variant has not been identified in the general population by the Genome Aggregation Database (gnomAD). The available evidence is insufficient to determine the role of this variant in disease conclusively. Therefore, this variant is classified as a Variant of Uncertain Significance.

This study involves interpretation of variants in research participants for the purpose of population health screening. Participant phenotype was not available at the time of variant classification. Additional details can be found in publication PMID: 35346344, PMCID: PMC8962531

NM_000257.4(MYH7):c.4459G>T (p.Ala1487Ser)

Genes: MHRT (myosin heavy chain associated RNA transcript; plus strand), MYH7 (myosin heavy chain 7; minus strand). Cytogenetic location: 14q11.2.
Variant type: single nucleotide variant.
Coding change: c.4459G>T on transcript NM_000257.4 (MANE Select); coding-DNA position 4459, G replaced by T.
Protein change: p.Ala1487Ser; replaces alanine 1487 with serine.
Molecular consequence: missense variant. On other transcripts: non-coding transcript variant (1).
Genome position (GRCh38, 1-based): chr14:23,417,213, C>A on the plus strand (G>T on the coding strand, the complement: MYH7 is on the minus strand). VCF-style: chr14-23417213-C-A. GRCh37 (hg19) VCF-style: chr14-23886422-C-A.
Other names: short protein forms A1487S.
Identifiers: ClinVar variation 862879 (VCV000862879.10), dbSNP rs766909770, ClinGen allele CA389038368.